The following is an entry in ClinVar:

NM_000489.6(ATRX):c.182A>G (p.Lys61Arg)

Gene: ATRX (ATRX chromatin remodeler; minus strand). Cytogenetic location: Xq21.1.
Variant type: single nucleotide variant.
Coding change: c.182A>G on transcript NM_000489.6 (MANE Select); coding-DNA position 182, A replaced by G.
Protein change: p.Lys61Arg; replaces lysine 61 with arginine.
Molecular consequence: missense variant.
Genome position (GRCh38, 1-based): chrX:77,698,581, T>C on the plus strand (A>G on the coding strand, the complement: ATRX is on the minus strand). VCF-style: chrX-77698581-T-C. GRCh37 (hg19) VCF-style: chrX-76954069-T-C.
Other names: c.182A>G, p.Lys61Arg (NM_138270.5); short protein forms K61R.
Identifiers: ClinVar variation 2905550 (VCV002905550.4), dbSNP rs2072318858, ClinGen allele CA413724375.

ClinVar aggregate classification (germline): Uncertain significance. Review status: criteria provided, single submitter (1 of 4 stars). 2 submissions from 2 submitters: Uncertain significance (1). 1 of the submissions does not count toward it. Last evaluated 2023-04-28.

Conditions:
Alpha thalassemia-X-linked intellectual disability syndrome (ATRX). Also called: ALPHA-THALASSEMIA/MENTAL RETARDATION SYNDROME, X-LINKED; ATR, NONDELETION TYPE; ATR-X syndrome; Alpha thalassemia mental retardation syndrome, nondeletion type, X-linked; XLMR hypotonic face syndrome; X-linked alpha-thalassemia-mental retardation syndrome. Identifiers: Orphanet 847, MedGen C1845055, MONDO:0010519, OMIM 301040.

Allele frequency attached by ClinVar (database versions not stated): TOPMed 0.00002.

Submissions (2):

Labcorp Genetics (formerly Invitae), Labcorp
Classification: Uncertain significance for Alpha thalassemia-X-linked intellectual disability syndrome. Last evaluated: 2023-04-28. Review status: criteria provided, single submitter. Criteria: Invitae Variant Classification Sherloc (09022015). Collection method: clinical testing. Allele origin: germline.
Comment: In summary, the available evidence is currently insufficient to determine the role of this variant in disease. Therefore, it has been classified as a Variant of Uncertain Significance. Advanced modeling of protein sequence and biophysical properties (such as structural, functional, and spatial information, amino acid conservation, physicochemical variation, residue mobility, and thermodynamic stability) performed at Invitae indicates that this missense variant is not expected to disrupt ATRX protein function. This variant has not been reported in the literature in individuals affected with ATRX-related conditions. This variant is not present in population databases (gnomAD no frequency). This sequence change replaces lysine, which is basic and polar, with arginine, which is basic and polar, at codon 61 of the ATRX protein (p.Lys61Arg).

Natera, Inc.
Classification: Uncertain significance for X-linked alpha-thalassemia-mental retardation syndrome. Last evaluated: 2025-01-21. Review status: no assertion criteria provided. Collection method: clinical testing. Allele origin: germline. Not counted in ClinVar's aggregate classification.